The following is an entry in ClinVar:

NM_052867.4(NALCN):c.3242A>C (p.Lys1081Thr)

Gene: NALCN (sodium leak channel, non-selective; minus strand). Cytogenetic location: 13q32.3.
Variant type: single nucleotide variant.
Coding change: c.3242A>C on transcript NM_052867.4 (MANE Select); coding-DNA position 3242, A replaced by C.
Protein change: p.Lys1081Thr; replaces lysine 1081 with threonine.
Molecular consequence: missense variant.
Genome position (GRCh38, 1-based): chr13:101,095,601, T>G on the plus strand (A>C on the coding strand, the complement: NALCN is on the minus strand). VCF-style: chr13-101095601-T-G. GRCh37 (hg19) VCF-style: chr13-101747952-T-G.
Other names: c.3329A>C, p.Lys1110Thr (NM_001350748.2); c.3242A>C, p.Lys1081Thr (NM_001350749.2); c.3155A>C, p.Lys1052Thr (NM_001350750.2, NM_001350751.2); short protein forms K1081T, K1052T, K1110T.
Identifiers: ClinVar variation 3644965 (VCV003644965.2).

ClinVar aggregate classification (germline): Uncertain significance (1 of 4 stars; one submission).

Submission:

Labcorp Genetics (formerly Invitae), Labcorp
Classification: Uncertain significance. Last evaluated: 2024-03-07. Review status: criteria provided, single submitter. Criteria: Invitae Variant Classification Sherloc (09022015). Collection method: clinical testing. Allele origin: germline.
Comment: This sequence change replaces lysine, which is basic and polar, with threonine, which is neutral and polar, at codon 1081 of the NALCN protein (p.Lys1081Thr). This variant is not present in population databases (gnomAD no frequency). This variant has not been reported in the literature in individuals affected with NALCN-related conditions. Advanced modeling of protein sequence and biophysical properties (such as structural, functional, and spatial information, amino acid conservation, physicochemical variation, residue mobility, and thermodynamic stability) performed at Invitae indicates that this missense variant is not expected to disrupt NALCN protein function with a negative predictive value of 80%. In summary, the available evidence is currently insufficient to determine the role of this variant in disease. Therefore, it has been classified as a Variant of Uncertain Significance.